The following is an entry in ClinVar:

NM_006767.4(LZTR1):c.138del (p.Phe48fs)

Gene: LZTR1 (leucine zipper like post translational regulator 1; plus strand). Cytogenetic location: 22q11.21.
Variant type: Deletion.
Coding change: c.138del on transcript NM_006767.4 (MANE Select); coding-DNA position 138, one base deleted (G; older notation c.138delG).
Protein change: p.Phe48fs; shifts the reading frame from phenylalanine 48.
Molecular consequence: frameshift variant.
Genome position (GRCh38, 1-based): chr22:20,982,509, G deleted; the last of 3 consecutive G bases (chr22:20,982,507-20,982,509); deleting any one gives the same sequence. VCF-style (leftmost placement, unchanged base first): chr22-20982506-CG-C. GRCh37 (hg19) VCF-style: chr22-21336795-CG-C.
Other names: short protein forms F48fs.
Identifiers: ClinVar variation 1076017 (VCV001076017.7), dbSNP rs1274525885, ClinGen allele CA751573753.

ClinVar aggregate classification (germline): Pathogenic (1 of 4 stars; one submission).

Submission:

Labcorp Genetics (formerly Invitae), Labcorp
Classification: Pathogenic. Last evaluated: 2020-09-23. Review status: criteria provided, single submitter. Criteria: Invitae Variant Classification Sherloc (09022015). Collection method: clinical testing. Allele origin: germline.
Comment: For these reasons, this variant has been classified as Pathogenic. Loss-of-function variants in LZTR1 are known to be pathogenic (PMID: 24362817, 25335493, 25480913, 29469822, 30442762, 30859559). This variant has not been reported in the literature in individuals with LZTR1-related conditions. This variant is not present in population databases (ExAC no frequency). This sequence change creates a premature translational stop signal (p.Phe48Serfs*53) in the LZTR1 gene. It is expected to result in an absent or disrupted protein product.

Literature cited by the submitters: PubMed 24362817; PubMed 25335493; PubMed 25480913; PubMed 29469822; PubMed 30442762; PubMed 30859559.